The following is an entry in ClinVar:

NM_020693.4(DSCAML1):c.4817T>C (p.Val1606Ala)

Gene: DSCAML1 (DS cell adhesion molecule like 1; minus strand). Cytogenetic location: 11q23.3.
Variant type: single nucleotide variant.
Coding change: c.4817T>C on transcript NM_020693.4 (MANE Select); coding-DNA position 4817, T replaced by C.
Protein change: p.Val1606Ala; replaces valine 1606 with alanine.
Molecular consequence: missense variant.
Genome position (GRCh38, 1-based): chr11:117,435,703, A>G on the plus strand (T>C on the coding strand, the complement: DSCAML1 is on the minus strand). VCF-style: chr11-117435703-A-G. GRCh37 (hg19) VCF-style: chr11-117306419-A-G.
Other names: short protein forms V1606A.
Identifiers: ClinVar variation 3711331 (VCV003711331.2).

ClinVar aggregate classification (germline): Uncertain significance (1 of 4 stars; one submission).

gnomAD v4.1: 2 of 1,612,396 alleles (0.00012%); highest among the groups gnomAD compares: Non-Finnish European, 0.00017%; no homozygotes.

Submission:

Labcorp Genetics (formerly Invitae), Labcorp
Classification: Uncertain significance. Last evaluated: 2024-05-20. Review status: criteria provided, single submitter. Criteria: Invitae Variant Classification Sherloc (09022015). Collection method: clinical testing. Allele origin: germline.
Comment: This sequence change replaces valine, which is neutral and non-polar, with alanine, which is neutral and non-polar, at codon 1666 of the DSCAML1 protein (p.Val1666Ala). This variant is present in population databases (rs766282093, gnomAD 0.0009%). This variant has not been reported in the literature in individuals affected with DSCAML1-related conditions. An algorithm developed to predict the effect of missense changes on protein structure and function (PolyPhen-2) suggests that this variant is likely to be tolerated. In summary, the available evidence is currently insufficient to determine the role of this variant in disease. Therefore, it has been classified as a Variant of Uncertain Significance.